The following is an entry in ClinVar:

NM_005045.4(RELN):c.5594C>T (p.Ser1865Leu)

Gene: RELN (reelin; minus strand). Cytogenetic location: 7q22.1.
Variant type: single nucleotide variant.
Coding change: c.5594C>T on transcript NM_005045.4 (MANE Select); coding-DNA position 5594, C replaced by T.
Protein change: p.Ser1865Leu; replaces serine 1865 with leucine.
Molecular consequence: missense variant.
Genome position (GRCh38, 1-based): chr7:103,557,985, G>A on the plus strand (C>T on the coding strand, the complement: RELN is on the minus strand). VCF-style: chr7-103557985-G-A. GRCh37 (hg19) VCF-style: chr7-103198432-G-A.
Other names: c.5594C>T (NM_005045.3); c.5594C>T, p.Ser1865Leu (NM_173054.3); short protein forms S1865L.
Identifiers: ClinVar variation 2937608 (VCV002937608.4), dbSNP rs1386230430, ClinGen allele CA368742496.

ClinVar aggregate classification (germline): Uncertain significance. Review status: criteria provided, multiple submitters, no conflicts (2 of 4 stars). 2 submissions from 2 submitters: Uncertain significance (2). Last evaluated 2023-06-11.

Conditions:
Norman-Roberts syndrome (LIS2). Also called: Lissencephaly 2 (Norman-Roberts type). Identifiers: Orphanet 89844, MedGen C0796089, MONDO:0009760, OMIM 257320.
Familial temporal lobe epilepsy 7. Identifiers: Orphanet 101046, MedGen C4225327, MONDO:0014639, OMIM 616436.

Allele frequency attached by ClinVar (database versions not stated): TOPMed below 0.00001; gnomAD 0.00001; gnomAD exomes 0.00001.
gnomAD v4.1: 8 of 1,423,030 alleles (0.00056%); highest among the groups gnomAD compares: South Asian, 0.0092%; no homozygotes.

Submissions (2):

GeneDx
Classification: Uncertain significance. Last evaluated: 2023-06-11. Review status: criteria provided, single submitter. Criteria: GeneDx Variant Classification Process June 2021. Collection method: clinical testing. Allele origin: germline. Affected: yes.
Comment: Reported previously in the heterozygous state in an individual with epilepsy; segregation information unavailable (Ganapathy et al., 2019); Not observed at significant frequency in large population cohorts (gnomAD); In silico analysis supports that this missense variant does not alter protein structure/function; This variant is associated with the following publications: (PMID: 31069529)

Labcorp Genetics (formerly Invitae), Labcorp
Classification: Uncertain significance for Familial temporal lobe epilepsy 7; Norman-Roberts syndrome. Last evaluated: 2023-01-26. Review status: criteria provided, single submitter. Criteria: Invitae Variant Classification Sherloc (09022015). Collection method: clinical testing. Allele origin: germline.
Comment: This sequence change replaces serine, which is neutral and polar, with leucine, which is neutral and non-polar, at codon 1865 of the RELN protein (p.Ser1865Leu). This variant is present in population databases (no rsID available, gnomAD 0.007%). This missense change has been observed in individual(s) with epilepsy (PMID: 31069529). Advanced modeling of protein sequence and biophysical properties (such as structural, functional, and spatial information, amino acid conservation, physicochemical variation, residue mobility, and thermodynamic stability) performed at Invitae indicates that this missense variant is not expected to disrupt RELN protein function. In summary, the available evidence is currently insufficient to determine the role of this variant in disease. Therefore, it has been classified as a Variant of Uncertain Significance.

Literature cited by the submitters: PubMed 31069529 (cited by Labcorp Genetics (formerly Invitae), Labcorp).